The following is an entry in ClinVar:

NM_000051.4(ATM):c.2399C>T (p.Ser800Phe)

Gene: ATM (ATM serine/threonine kinase; plus strand). Cytogenetic location: 11q22.3.
Variant type: single nucleotide variant.
Coding change: c.2399C>T on transcript NM_000051.4 (MANE Select); coding-DNA position 2399, C replaced by T.
Protein change: p.Ser800Phe; replaces serine 800 with phenylalanine.
Molecular consequence: missense variant.
Genome position (GRCh38, 1-based): chr11:108,259,008, C>T. VCF-style: chr11-108259008-C-T. GRCh37 (hg19) VCF-style: chr11-108129735-C-T.
Other names: c.2399C>T, p.Ser800Phe (NM_001351834.2); short protein forms S800F.
Identifiers: ClinVar variation 489526 (VCV000489526.5), dbSNP rs1196453563, ClinGen allele CA382541129.

ClinVar aggregate classification (germline): Uncertain significance. Review status: criteria provided, multiple submitters, no conflicts (2 of 4 stars). 2 submissions from 2 submitters: Uncertain significance (2). Last evaluated 2025-12-01.

Conditions:
Hereditary cancer-predisposing syndrome. Also called: Hereditary Cancer Syndrome; Neoplastic Syndromes, Hereditary; Tumor predisposition; Hereditary neoplastic syndrome. Identifiers: Orphanet 140162, MedGen C0027672, MeSH D009386, MONDO:0015356.

Allele frequency attached by ClinVar (database versions not stated): gnomAD exomes below 0.00001.
gnomAD v4.1: 2 of 1,613,802 alleles (0.00012%); highest among the groups gnomAD compares: South Asian, 0.0022%; no homozygotes.

Submissions (2):

Ambry Genetics
Classification: Uncertain significance for Hereditary cancer-predisposing syndrome. Last evaluated: 2025-12-01. Review status: criteria provided, single submitter. Criteria: Ambry Variant Classification Scheme 2023. Collection method: clinical testing. Allele origin: germline.
Comment: The p.S800F variant (also known as c.2399C>T), located in coding exon 15 of the ATM gene, results from a C to T substitution at nucleotide position 2399. The serine at codon 800 is replaced by phenylalanine, an amino acid with highly dissimilar properties. This amino acid position is highly conserved in available vertebrate species. In addition, this alteration is predicted to be deleterious by in silico analysis. Based on the available evidence, the clinical significance of this variant remains unclear.

Color Diagnostics, LLC DBA Color Health
Classification: Uncertain significance for Hereditary cancer-predisposing syndrome. Last evaluated: 2019-05-08. Review status: criteria provided, single submitter. Criteria: ACMG Guidelines, 2015. Collection method: clinical testing. Allele origin: germline.